The following is an entry in ClinVar:

NM_000466.3(PEX1):c.2719-1G>A

Gene: PEX1 (peroxisomal biogenesis factor 1; minus strand). Cytogenetic location: 7q21.2.
Variant type: single nucleotide variant.
Coding change: c.2719-1G>A on transcript NM_000466.3 (MANE Select); the canonical splice acceptor site of the intron before coding-DNA position 2719, G replaced by A.
Molecular consequence: splice acceptor variant.
Genome position (GRCh38, 1-based): chr7:92,496,778, C>T on the plus strand (G>A on the coding strand, the complement: PEX1 is on the minus strand). VCF-style: chr7-92496778-C-T. GRCh37 (hg19) VCF-style: chr7-92126092-C-T.
Other names: c.2719-1G>A (NM_000466.2); c.2548-1G>A (NM_001282677.2); c.2095-1G>A (NM_001282678.2).
Identifiers: ClinVar variation 1346570 (VCV001346570.7), dbSNP rs1791673946, ClinGen allele CA368171311.
Genomic context (GRCh38, chr7:92,496,778, plus strand): 5'-AAAAATATCCCGAACAGCTTGTTCACTTGCTCCAATGTATTTGCTGAGTAACTCTGGCCC[C>T]TATTGGGTAAAATAAGAGTTGAGATAAAATTATTTAAAAAGAAAATATAAATTTGGTTTC-3'

ClinVar aggregate classification (germline): Likely pathogenic. Review status: criteria provided, multiple submitters, no conflicts (2 of 4 stars). 2 submissions from 2 submitters: Likely pathogenic (2). Last evaluated 2025-02-17.

Conditions:
Zellweger spectrum disorders (ZS). Also called: Zellweger Spectrum Disorder; Zellweger Spectrum; Zellweger syndrome; Zellweger Spectrum Disorder (ZSD). Identifiers: Orphanet 912, MedGen C0043459, MONDO:0019609.

Allele frequency attached by ClinVar (database versions not stated): gnomAD 0.00001.
gnomAD v4.1: 1 of 1,595,294 alleles (0.000063%); highest among the groups gnomAD compares: African/African-American, 0.0013%; no homozygotes.

Submissions (2):

Natera, Inc.
Classification: Likely pathogenic for Zellweger syndrome. Last evaluated: 2025-02-17. Review status: criteria provided, single submitter. Criteria: Natera Variant Classification Schema (03/2026). Collection method: clinical testing. Allele origin: germline.
Comment: The c.2719-1G>A variant in PEX1 is a canonical splice acceptor site variant predicted to affect pre-mRNA splicing, which may result in an abnormal transcript and altered protein product. This variant is expected to result in nonsense mediated decay, truncation, or a dysfunctional protein product. This variant is rare in the general population with a frequency below the threshold expected for the associated phenotype(s). Given the available evidence, this variant is classified as Likely Pathogenic.

Labcorp Genetics (formerly Invitae), Labcorp
Classification: Likely pathogenic for Zellweger spectrum disorders. Last evaluated: 2021-08-22. Review status: criteria provided, single submitter. Criteria: Invitae Variant Classification Sherloc (09022015). Collection method: clinical testing. Allele origin: germline.
Comment: In summary, the currently available evidence indicates that the variant is pathogenic, but additional data are needed to prove that conclusively. Therefore, this variant has been classified as Likely Pathogenic. Algorithms developed to predict the effect of sequence changes on RNA splicing suggest that this variant may disrupt the consensus splice site. This variant has not been reported in the literature in individuals affected with PEX1-related conditions. This variant is not present in population databases (ExAC no frequency). This sequence change affects an acceptor splice site in intron 16 of the PEX1 gene. It is expected to disrupt RNA splicing. Variants that disrupt the donor or acceptor splice site typically lead to a loss of protein function (PMID: 16199547), and loss-of-function variants in PEX1 are known to be pathogenic (PMID: 9398847, 16086329, 16141001, 21031596, 26387595, 31831025).

Literature cited by the submitters: PubMed 16199547 (cited by Labcorp Genetics (formerly Invitae), Labcorp); PubMed 9398847 (cited by Labcorp Genetics (formerly Invitae), Labcorp); PubMed 16086329 (cited by Labcorp Genetics (formerly Invitae), Labcorp); PubMed 16141001 (cited by Labcorp Genetics (formerly Invitae), Labcorp); PubMed 21031596 (cited by Labcorp Genetics (formerly Invitae), Labcorp); PubMed 26387595 (cited by Labcorp Genetics (formerly Invitae), Labcorp); PubMed 31831025 (cited by Labcorp Genetics (formerly Invitae), Labcorp).